The following is an entry in ClinVar:

ClinVar aggregate classification (germline): Pathogenic (1 of 4 stars; one submission).

Conditions:
Mast syndrome. Also called: SPASTIC PARAPLEGIA 21, AUTOSOMAL RECESSIVE. Identifiers: Orphanet 101001, MedGen C1855346, MONDO:0009568, OMIM 248900.

Submission:

Labcorp Genetics (formerly Invitae), Labcorp
Classification: Pathogenic for Mast syndrome. Last evaluated: 2023-01-24. Review status: criteria provided, single submitter. Criteria: Invitae Variant Classification Sherloc (09022015). Collection method: clinical testing. Allele origin: germline.
Comment: For these reasons, this variant has been classified as Pathogenic. This variant has not been reported in the literature in individuals affected with SPG21-related conditions. This variant is not present in population databases (gnomAD no frequency). This sequence change creates a premature translational stop signal (p.Leu46Hisfs*43) in the SPG21 gene. It is expected to result in an absent or disrupted protein product. Loss-of-function variants in SPG21 are known to be pathogenic (PMID: 14564668).

Literature cited by the submitters: PubMed 14564668.

NM_016630.7(SPG21):c.137_138del (p.Leu46fs)

Gene: SPG21 (SPG21 abhydrolase domain containing, maspardin; minus strand). Cytogenetic location: 15q22.31.
Variant type: Microsatellite.
Coding change: c.137_138del on transcript NM_016630.7 (MANE Select); coding-DNA positions 137 to 138, 2 bases deleted (TC; older notation c.137_138delTC).
Protein change: p.Leu46fs; shifts the reading frame from leucine 46.
Molecular consequence: frameshift variant.
Genome position (GRCh38, 1-based): chr15:64,980,951-64,980,952, GA deleted on the plus strand (TC on the coding strand, the reverse complement: SPG21 is on the minus strand); deleting any 2 consecutive bases within chr15:64,980,951-64,980,955 gives the same sequence; the c. name uses the placement nearest the transcript's 3' end. VCF-style (leftmost placement, unchanged base first): chr15-64980950-TGA-T. GRCh37 (hg19) VCF-style: chr15-65273288-TGA-T.
Other names: c.137_138del, p.Leu46fs (NM_001127889.5, NM_001127890.5); short protein forms L46fs.
Identifiers: ClinVar variation 2720153 (VCV002720153.3), dbSNP rs2506123834, ClinGen allele CA2697549130.